The following is an entry in ClinVar:

ClinVar aggregate classification (germline): Pathogenic (1 of 4 stars; one submission).

Conditions:
BAP1-related tumor predisposition syndrome (TPDS1). Also called: BAP1 tumor predisposition syndrome; Tumor susceptibility linked to germline BAP1 mutations; COMMON Syndrome; TUMOR PREDISPOSITION SYNDROME 1. Identifiers: Orphanet 289539, MedGen C3280492, MONDO:0013692, OMIM 614327.

Submission:

Labcorp Genetics (formerly Invitae), Labcorp
Classification: Pathogenic for BAP1-related tumor predisposition syndrome. Last evaluated: 2021-10-21. Review status: criteria provided, single submitter. Criteria: Invitae Variant Classification Sherloc (09022015). Collection method: clinical testing. Allele origin: germline.
Comment: For these reasons, this variant has been classified as Pathogenic. This variant has not been reported in the literature in individuals affected with BAP1-related conditions. This variant is a gross deletion of the genomic region encompassing exon(s) 5-10 of the BAP1 gene. This deletion is out-of-frame, and is expected to create a premature termination codon and result in an absent or disrupted protein product. Loss-of-function variants in BAP1 are known to be pathogenic (PMID: 21874000, 23684012).

Literature cited by the submitters: PubMed 21874000; PubMed 23684012.

NC_000003.11:g.(?_52439384)_(52442110_?)del

Gene: BAP1 (BRCA1 associated deubiquitinase 1; minus strand). Cytogenetic location: 3p21.1.
Variant type: Deletion.
Identifiers: ClinVar variation 2425197 (VCV002425197.6).